The following is an entry in ClinVar:

ClinVar aggregate classification (germline): Uncertain significance (1 of 4 stars; one submission).

Conditions:
Myoclonic dystonia 11 (DYT11). Also called: Myoclonic dystonia; Dystonia 11; Dystonia, alcohol responsive; Hereditary essential myoclonus; SGCE Myoclonus-Dystonia; Myoclonus-Dystonia. Identifiers: Orphanet 36899, MedGen C1834570, MONDO:0008044, OMIM 159900.

Submission:

Labcorp Genetics (formerly Invitae), Labcorp
Classification: Uncertain significance for Myoclonic dystonia 11. Last evaluated: 2021-11-17. Review status: criteria provided, single submitter. Criteria: Invitae Variant Classification Sherloc (09022015). Collection method: clinical testing. Allele origin: germline.
Comment: In summary, the available evidence is currently insufficient to determine the role of this variant in disease. Therefore, it has been classified as a Variant of Uncertain Significance. Algorithms developed to predict the effect of missense changes on protein structure and function (SIFT, PolyPhen-2, Align-GVGD) all suggest that this variant is likely to be tolerated. This variant has not been reported in the literature in individuals affected with SGCE-related conditions. This variant is not present in population databases (gnomAD no frequency). This sequence change replaces aspartic acid, which is acidic and polar, with glutamic acid, which is acidic and polar, at codon 217 of the SGCE protein (p.Asp217Glu).

NM_003919.3(SGCE):c.651C>A (p.Asp217Glu)

Genes: CASD1 (CAS1 domain sialic acid O acetyltransferase 1; plus strand), SGCE (sarcoglycan epsilon; minus strand). Cytogenetic location: 7q21.3.
Variant type: single nucleotide variant.
Coding change: c.651C>A on transcript NM_003919.3 (MANE Select); coding-DNA position 651, C replaced by A.
Protein change: p.Asp217Glu; replaces aspartic acid 217 with glutamic acid.
Molecular consequence: missense variant.
Genome position (GRCh38, 1-based): chr7:94,618,769, G>T on the plus strand (C>A on the coding strand, the complement: SGCE is on the minus strand). VCF-style: chr7-94618769-G-T. GRCh37 (hg19) VCF-style: chr7-94248081-G-T.
Other names: c.651C>A, p.Asp217Glu (NM_001099400.2, NM_001099401.2, NM_001346717.2); c.528C>A, p.Asp176Glu (NM_001301139.2, NM_001362809.2); c.759C>A, p.Asp253Glu (NM_001346713.2, NM_001346715.2); c.564C>A, p.Asp188Glu (NM_001346719.2, NM_001362807.2); c.378C>A, p.Asp126Glu (NM_001346720.2, NM_001362808.2); short protein forms D126E, D217E, D188E, D253E, D176E.
Identifiers: ClinVar variation 1447500 (VCV001447500.6), dbSNP rs2116880601, ClinGen allele CA368235058.